The following is an entry in ClinVar:

NM_014795.4(ZEB2):c.905G>A (p.Arg302Gln)

Gene: ZEB2 (zinc finger E-box binding homeobox 2; minus strand). Cytogenetic location: 2q22.3.
Variant type: single nucleotide variant.
Coding change: c.905G>A on transcript NM_014795.4 (MANE Select); coding-DNA position 905, G replaced by A.
Protein change: p.Arg302Gln; replaces arginine 302 with glutamine.
Molecular consequence: missense variant.
Genome position (GRCh38, 1-based): chr2:144,401,210, C>T on the plus strand (G>A on the coding strand, the complement: ZEB2 is on the minus strand). VCF-style: chr2-144401210-C-T. GRCh37 (hg19) VCF-style: chr2-145158777-C-T.
Other names: p.R302Q:CGA>CAA; c.833G>A, p.Arg278Gln (NM_001171653.2); short protein forms R302Q, R278Q.
Identifiers: ClinVar variation 181709 (VCV000181709.23), dbSNP rs730881174, ClinGen allele CA297556.
Genomic context (GRCh38, chr2:144,401,210, plus strand): 5'-CCTAATTAAGTAAAATGCAAATGCGAGCTCCAGCACCTCTGCTACTCACCACTGTGAATT[C>T]GCAGGTGTTCTTTCAGATGGTGTTTATATTTGAAGGCCTTGCCACACTCTGTGCATTTGA-3'
Protein context (NP_055610.1, residues 292-312): KYKHHLKEHL[Arg302Gln]IHSGEKPYEC

ClinVar aggregate classification (germline): Uncertain significance. Review status: criteria provided, multiple submitters, no conflicts (2 of 4 stars). 6 submissions from 6 submitters: Uncertain significance (6). Last evaluated 2025-01-30.

Conditions:
Inborn genetic diseases. Identifiers: MedGen C0950123, MeSH D030342.
Mowat-Wilson syndrome (MOWS). Also called: Classic Mowat-Wilson Syndrome. Identifiers: Orphanet 2152, MedGen C1856113, MONDO:0009341, OMIM 235730.

Submissions (6):

GeneDx
Classification: Uncertain significance. Last evaluated: 2025-01-30. Review status: criteria provided, single submitter. Criteria: GeneDx Variant Classification Process June 2021. Collection method: clinical testing. Allele origin: germline. Affected: yes.
Comment: Identified in a patient with epileptic encephalopathy, ataxic gait, global developmental delay, and autism spectrum disorder; however, this patient also carried a variant in the CACNB4 gene that may be contributing to the phenotype (PMID: 36360260); In silico analysis supports that this missense variant has a deleterious effect on protein structure/function; Not observed at significant frequency in large population cohorts (gnomAD); This variant is associated with the following publications: (PMID: 16053902, 36360260)

Revvity Omics, Revvity
Classification: Uncertain significance for Mowat-Wilson syndrome. Last evaluated: 2023-03-02. Review status: criteria provided, single submitter. Criteria: ACMG Guidelines, 2015. Collection method: clinical testing. Allele origin: germline.

Institute of Human Genetics, University of Leipzig Medical Center
Classification: Uncertain significance for Mowat-Wilson syndrome. Last evaluated: 2022-04-26. Review status: criteria provided, single submitter. Criteria: ACMG Guidelines, 2015. Collection method: clinical testing. Allele origin: de novo. Affected: yes.
Comment: This variant was identified as de novo (maternity and paternity confirmed)._x000D_ Criteria applied: PS2_SUP, PM2_SUP, PP2, PP3

Genome-Nilou Lab
Classification: Uncertain significance for Mowat-Wilson syndrome. Last evaluated: 2021-11-07. Review status: criteria provided, single submitter. Criteria: ACMG Guidelines, 2015. Collection method: clinical testing. Allele origin: germline. Affected: no.

Labcorp Genetics (formerly Invitae), Labcorp
Classification: Uncertain significance for Mowat-Wilson syndrome. Last evaluated: 2020-03-04. Review status: criteria provided, single submitter. Criteria: Invitae Variant Classification Sherloc (09022015). Collection method: clinical testing. Allele origin: germline.
Comment: This variant has not been reported in the literature in individuals with ZEB2-related conditions. ClinVar contains an entry for this variant (Variation ID: 181709). In summary, the available evidence is currently insufficient to determine the role of this variant in disease. Therefore, it has been classified as a Variant of Uncertain Significance. Algorithms developed to predict the effect of missense changes on protein structure and function (SIFT, PolyPhen-2, Align-GVGD) all suggest that this variant is likely to be disruptive, but these predictions have not been confirmed by published functional studies and their clinical significance is uncertain. This variant is not present in population databases (ExAC no frequency). This sequence change replaces arginine with glutamine at codon 302 of the ZEB2 protein (p.Arg302Gln). The arginine residue is highly conserved and there is a small physicochemical difference between arginine and glutamine.

Ambry Genetics
Classification: Uncertain significance for Inborn genetic diseases. Last evaluated: 2016-12-19. Review status: criteria provided, single submitter. Criteria: Ambry Variant Classification Scheme 2023. Collection method: clinical testing. Allele origin: germline.
Comment: The p.R302Q variant (also known as c.905G>A), located in coding exon 6 of the ZEB2 gene, results from a G to A substitution at nucleotide position 905. The arginine at codon 302 is replaced by glutamine, an amino acid with highly similar properties. This amino acid position is highly conserved in available vertebrate species. In addition, the in silico prediction for this alteration is inconclusive. Since supporting evidence is limited at this time, the clinical significance of this alteration remains unclear.